The following is an entry in ClinVar:

ClinVar aggregate classification (germline): Uncertain significance (1 of 4 stars; one submission).

Conditions:
Combined immunodeficiency due to DOCK8 deficiency (HIES2). Also called: HIES autosomal recessive; HYPER-IgE SYNDROME 2, AUTOSOMAL RECESSIVE, WITH RECURRENT INFECTIONS; HYPER-IgE RECURRENT INFECTION SYNDROME 2, AUTOSOMAL RECESSIVE; DOCK8 Deficiency; Hyper-IgE recurrent infection syndrome, autosomal recessive. Identifiers: Orphanet 217390, MedGen C4722305, MONDO:0009478, OMIM 243700.

Allele frequency attached by ClinVar (database versions not stated): TOPMed below 0.00001; ExAC 0.00002; gnomAD exomes 0.00002.
gnomAD v4.1: 23 of 1,613,978 alleles (0.0014%); highest among the groups gnomAD compares: East Asian, 0.049%; no homozygotes.

Submission:

Labcorp Genetics (formerly Invitae), Labcorp
Classification: Uncertain significance for Combined immunodeficiency due to DOCK8 deficiency. Last evaluated: 2025-11-03. Review status: criteria provided, single submitter. Criteria: Invitae Variant Classification Sherloc (09022015). Collection method: clinical testing. Allele origin: germline.
Comment: This sequence change replaces methionine, which is neutral and non-polar, with isoleucine, which is neutral and non-polar, at codon 935 of the DOCK8 protein (p.Met935Ile). This variant is present in population databases (rs748540409, gnomAD 0.03%). This variant has not been reported in the literature in individuals affected with DOCK8-related conditions. ClinVar contains an entry for this variant (Variation ID: 836444). An algorithm developed to predict the effect of missense changes on protein structure and function (PolyPhen-2) suggests that this variant is likely to be tolerated. In summary, the available evidence is currently insufficient to determine the role of this variant in disease. Therefore, it has been classified as a Variant of Uncertain Significance.

NM_203447.4(DOCK8):c.2805G>A (p.Met935Ile)

Gene: DOCK8 (dedicator of cytokinesis 8; plus strand). Cytogenetic location: 9p24.3.
Variant type: single nucleotide variant.
Coding change: c.2805G>A on transcript NM_203447.4 (MANE Select); coding-DNA position 2805, G replaced by A.
Protein change: p.Met935Ile; replaces methionine 935 with isoleucine.
Molecular consequence: missense variant. On other transcripts: intron variant (1).
Genome position (GRCh38, 1-based): chr9:386,357, G>A. VCF-style: chr9-386357-G-A. GRCh37 (hg19) VCF-style: chr9-386357-G-A.
Other names: c.2601G>A, p.Met867Ile (NM_001193536.2); c.2574+3672G>A (NM_001190458.2); short protein forms M867I, M935I.
Identifiers: ClinVar variation 836444 (VCV000836444.10), dbSNP rs748540409, ClinGen allele CA4958362.
Genomic context (GRCh38, chr9:386,357, plus strand): 5'-GGTTGACTGTTAAGCCATGGTTTGTGTATTTTAGATCGCCGATCGCAACTGCAGCCGAAT[G>A]TCTTACTATTGCTCTGGCAGTAGTGATGCTCCAAGTTCACCTGCAGCCCCAAGGCCAGCC-3'
Protein context (NP_982272.2, residues 925-945): SKIADRNCSR[Met935Ile]SYYCSGSSDA